The following is an entry in ClinVar:

NM_003719.5(PDE8B):c.435C>T (p.Ser145=)

Gene: PDE8B (phosphodiesterase 8B; plus strand). Cytogenetic location: 5q13.3.
Variant type: single nucleotide variant.
Coding change: c.435C>T on transcript NM_003719.5 (MANE Select); coding-DNA position 435, C replaced by T.
Protein change: p.Ser145=; no amino-acid change (serine 145 retained).
Molecular consequence: synonymous variant.
Genome position (GRCh38, 1-based): chr5:77,325,574, C>T. VCF-style: chr5-77325574-C-T. GRCh37 (hg19) VCF-style: chr5-76621399-C-T.
Other names: c.435C>T, p.Ser145= (NM_001029851.4, NM_001029852.4, NM_001029854.4 and 2 more transcripts); c.375C>T, p.Ser125= (NM_001029853.4); c.432C>T, p.Ser144= (NM_001349748.3, NM_001349751.3, NM_001376065.1); c.498C>T, p.Ser166= (NM_001349749.3); c.195C>T, p.Ser65= (NM_001349750.3); c.129C>T, p.Ser43= (NM_001349752.3, NM_001376071.1); c.63C>T, p.Ser21= (NM_001349753.2, NM_001376067.1, NM_001376068.1 and 1 more transcripts); c.132C>T, p.Ser44= (NM_001376062.1, NM_001376070.1, NM_001376072.1 and 1 more transcripts); and 2 more.
Identifiers: ClinVar variation 354151 (VCV000354151.15), dbSNP rs76299136, ClinGen allele CA3314935.

ClinVar aggregate classification (germline): Benign. Review status: criteria provided, multiple submitters, no conflicts (2 of 4 stars). 3 submissions from 3 submitters: Benign (3). Last evaluated 2024-11-25.

Conditions:
PDE8B-related disorder. Also called: PDE8B-related condition.
Autosomal dominant striatal neurodegeneration type 1. Identifiers: Orphanet 228169, MedGen C4310808, MONDO:0012205, OMIM 609161.

Allele frequency attached by ClinVar (database versions not stated): ESP Exome Variant Server 0.00015; gnomAD 0.00031 and 0.00050; TOPMed 0.00053; gnomAD exomes 0.00060 and 0.00097; ExAC 0.00097; 1000 Genomes Project 30x 0.00328; 1000 Genomes Project 0.00379.
gnomAD v4.1: 925 of 1,614,030 alleles (0.057%); highest among the groups gnomAD compares: East Asian, 1.9%; 15 homozygotes.

Submissions (3):

PreventionGenetics, part of Exact Sciences
Classification: Benign for PDE8B-related condition. Last evaluated: 2024-11-25. Review status: criteria provided, single submitter. Criteria: ACMG Guidelines, 2015. Collection method: clinical testing. Allele origin: germline.
Comment: This variant is classified as benign based on ACMG/AMP sequence variant interpretation guidelines (Richards et al. 2015 PMID: 25741868, with internal and published modifications).

Labcorp Genetics (formerly Invitae), Labcorp
Classification: Benign. Last evaluated: 2024-10-12. Review status: criteria provided, single submitter. Criteria: Invitae Variant Classification Sherloc (09022015). Collection method: clinical testing. Allele origin: germline.

Illumina Laboratory Services, Illumina
Classification: Benign for Autosomal dominant striatal neurodegeneration type 1. Last evaluated: 2018-01-13. Review status: criteria provided, single submitter. Criteria: ICSL Variant Classification Criteria 13 December 2019. Collection method: clinical testing. Allele origin: germline.
Comment: This variant was observed in the ICSL laboratory as part of a predisposition screen in an ostensibly healthy population. It had not been previously curated by ICSL or reported in the Human Gene Mutation Database (HGMD: prior to June 1st, 2018), and was therefore a candidate for classification through an automated scoring system. Utilizing variant allele frequency, disease prevalence and penetrance estimates, and inheritance mode, an automated score was calculated to assess if this variant is too frequent to cause the disease. Based on the score and internal cut-off values, a variant classified as benign is not then subjected to further curation. The score for this variant resulted in a classification of benign for this disease.